The following is an entry in ClinVar:

ClinVar aggregate classification (germline): Uncertain significance. Review status: criteria provided, multiple submitters, no conflicts (2 of 4 stars). 2 submissions from 2 submitters: Uncertain significance (2). Last evaluated 2023-08-15.

Conditions:
Inborn genetic diseases. Identifiers: MedGen C0950123, MeSH D030342.

Allele frequency attached by ClinVar (database versions not stated): gnomAD 0.00001; gnomAD exomes 0.00001 and 0.00002; TOPMed 0.00002.
gnomAD v4.1: 24 of 1,614,032 alleles (0.0015%); highest among the groups gnomAD compares: Non-Finnish European, 0.0019%; no homozygotes.

Submissions (2):

Ambry Genetics
Classification: Uncertain significance for Inborn genetic diseases. Last evaluated: 2023-08-15. Review status: criteria provided, single submitter. Criteria: Ambry Variant Classification Scheme 2023. Collection method: clinical testing. Allele origin: germline.

Labcorp Genetics (formerly Invitae), Labcorp
Classification: Uncertain significance. Last evaluated: 2022-03-23. Review status: criteria provided, single submitter. Criteria: Invitae Variant Classification Sherloc (09022015). Collection method: clinical testing. Allele origin: germline.
Comment: In summary, the available evidence is currently insufficient to determine the role of this variant in disease. Therefore, it has been classified as a Variant of Uncertain Significance. Algorithms developed to predict the effect of missense changes on protein structure and function are either unavailable or do not agree on the potential impact of this missense change (SIFT: "Tolerated"; PolyPhen-2: "Possibly Damaging"; Align-GVGD: "Class C0"). This variant has not been reported in the literature in individuals affected with TTLL5-related conditions. This variant is present in population databases (no rsID available, gnomAD 0.002%). This sequence change replaces leucine, which is neutral and non-polar, with proline, which is neutral and non-polar, at codon 1237 of the TTLL5 protein (p.Leu1237Pro).

NM_015072.5(TTLL5):c.3710T>C (p.Leu1237Pro)

Gene: TTLL5 (tubulin tyrosine ligase like 5; plus strand). Cytogenetic location: 14q24.3.
Variant type: single nucleotide variant.
Coding change: c.3710T>C on transcript NM_015072.5 (MANE Select); coding-DNA position 3710, T replaced by C.
Protein change: p.Leu1237Pro; replaces leucine 1237 with proline.
Molecular consequence: missense variant.
Genome position (GRCh38, 1-based): chr14:75,882,872, T>C. VCF-style: chr14-75882872-T-C. GRCh37 (hg19) VCF-style: chr14-76349215-T-C.
Other names: c.3710T>C (NM_015072.4); short protein forms L1237P.
Identifiers: ClinVar variation 1497720 (VCV001497720.8), dbSNP rs1226502037, ClinGen allele CA390537128.